The following is an entry in ClinVar:

ClinVar aggregate classification (germline): Pathogenic. Review status: criteria provided, multiple submitters, no conflicts (2 of 4 stars). 6 submissions from 6 submitters: Pathogenic (6). Last evaluated 2025-05-23.

Conditions:
Recessive dystrophic epidermolysis bullosa (RDEB). Also called: Hallopeau-Siemens Disease; EPIDERMOLYSIS BULLOSA DYSTROPHICA, GENERALIZED SEVERE, AUTOSOMAL RECESSIVE; Epidermolysis Bullosa Distrophica Autosomal Recessive (RDEB); DYSTROPHIC EPIDERMOLYSIS BULLOSA, AUTOSOMAL RECESSIVE; EPIDERMOLYSIS BULLOSA DYSTROPHICA, HALLOPEAU-SIEMENS TYPE; epidermolysis bullosa dystrophica, autosomal recessive. Identifiers: Orphanet 79408, Orphanet 79409, MedGen C0079474, MONDO:0009179, OMIM 226600.
COL7A1-related disorder. Also called: COL7A1- related disorders; COL7A1-related condition.
Epidermolysis bullosa dystrophica. Also called: Dystrophic epidermolysis bullosa, Hallopeau-Siemens type (formerly); Dystrophic epidermolysis bullosa. Identifiers: Orphanet 303, MedGen C0079294, MONDO:0006543.

Allele frequency attached by ClinVar (database versions not stated): gnomAD exomes below 0.00001 and 0.00001; ExAC 0.00001; TOPMed 0.00001.
gnomAD v4.1: 7 of 1,613,592 alleles (0.00043%); highest among the groups gnomAD compares: East Asian, 0.0022%; no homozygotes.

Submissions (6):

PreventionGenetics, part of Exact Sciences
Classification: Pathogenic for COL7A1-related condition. Last evaluated: 2025-05-23. Review status: criteria provided, single submitter. Criteria: ACMG Guidelines, 2015. Collection method: clinical testing. Allele origin: germline.
Comment: The COL7A1 c.8233C>T variant is predicted to result in premature protein termination (p.Arg2745*). This variant has ben reported in individuals with autosomal recessive dystrophic epidermolysis bullosa (see for example, Kern et al 2009. PubMed ID: 19681861; Yu et al. 2021. PubMed ID: 34046686; Ma et al. 2021. PubMed ID: 34286919; Gupta et al. 2023. PubMed ID: 37556444). This variant is reported in 0.0033% of alleles in individuals of South Asian descent in gnomAD. Nonsense variants in COL7A1 are expected to be pathogenic. This variant is interpreted as pathogenic.

Myriad Genetics, Inc.
Classification: Pathogenic for Recessive dystrophic epidermolysis bullosa. Last evaluated: 2024-04-28. Review status: criteria provided, single submitter. Criteria: Myriad Autosomal Dominant, Autosomal Recessive and X-Linked Classification Criteria (2023). Collection method: clinical testing. Allele origin: unknown.
Comment: NM_000094.3(COL7A1):c.8233C>T(R2745*) is expected to be pathogenic in the context of dystrophic epidermolysis bullosa. This variant is predicted to lead to an abnormal or absent protein product due to the creation of a premature termination codon in COL7A1, a gene where loss-of-function variants are known to be pathogenic. Please note: this variant was assessed in the context of healthy population screening.

Natera, Inc.
Classification: Pathogenic for Dystrophic epidermolysis bullosa. Last evaluated: 2024-03-28. Review status: criteria provided, single submitter. Criteria: Natera Variant Classification Schema (03/2026). Collection method: clinical testing. Allele origin: germline.
Comment: The c.8233C>T variant in COL7A1 is a nonsense variant predicted to introduce a stop codon at amino acid 2745. This variant is expected to result in nonsense mediated decay, truncation, or a dysfunctional protein product. This variant is rare in the general population with a frequency below the threshold expected for the associated phenotype(s). This variant has been observed in one or more individuals affected with the associated recessive disease, as either homozygous or compound heterozygous with a second variant (PMID: 34286919). Given the available evidence, this variant is classified as Pathogenic.

Labcorp Genetics (formerly Invitae), Labcorp
Classification: Pathogenic. Last evaluated: 2023-12-02. Review status: criteria provided, single submitter. Criteria: Invitae Variant Classification Sherloc (09022015). Collection method: clinical testing. Allele origin: germline.
Comment: This sequence change creates a premature translational stop signal (p.Arg2745*) in the COL7A1 gene. It is expected to result in an absent or disrupted protein product. Loss-of-function variants in COL7A1 are known to be pathogenic (PMID: 16971478). This variant is present in population databases (rs768202310, gnomAD 0.003%). This premature translational stop signal has been observed in individual(s) with recessive dystrophic epidermolysis bullosa (PMID: 19681861). ClinVar contains an entry for this variant (Variation ID: 850546). Algorithms developed to predict the effect of sequence changes on RNA splicing suggest that this variant may disrupt the consensus splice site. For these reasons, this variant has been classified as Pathogenic.

Blueprint Genetics
Classification: Pathogenic for COL7A1-related disorders. Last evaluated: 2023-07-25. Review status: criteria provided, single submitter. Criteria: ACMG Guidelines, 2015. Collection method: clinical testing. Allele origin: germline. Affected: yes. Observed: 1 variant allele.

GeneDx
Classification: Pathogenic. Last evaluated: 2023-04-10. Review status: criteria provided, single submitter. Criteria: GeneDx Variant Classification Process June 2021. Collection method: clinical testing. Allele origin: germline. Affected: yes.
Comment: Nonsense variant predicted to result in protein truncation or nonsense mediated decay in a gene for which loss of function is a known mechanism of disease; Not observed at a significant frequency in large population cohorts (gnomAD); This variant is associated with the following publications: (PMID: 25525159, 19681861, 34286919, 34046686)

Literature cited by the submitters: PubMed 34286919 (cited by Natera, Inc.); PubMed 16971478 (cited by Labcorp Genetics (formerly Invitae), Labcorp); PubMed 19681861 (cited by Labcorp Genetics (formerly Invitae), Labcorp).

NM_000094.4(COL7A1):c.8233C>T (p.Arg2745Ter)

Gene: COL7A1 (collagen type VII alpha 1 chain; minus strand). Cytogenetic location: 3p21.31.
Variant type: single nucleotide variant.
Coding change: c.8233C>T on transcript NM_000094.4 (MANE Select); coding-DNA position 8233, C replaced by T.
Protein change: p.Arg2745Ter; replaces arginine 2745 with a stop codon.
Molecular consequence: nonsense.
Genome position (GRCh38, 1-based): chr3:48,566,731, G>A on the plus strand (C>T on the coding strand, the complement: COL7A1 is on the minus strand). VCF-style: chr3-48566731-G-A. GRCh37 (hg19) VCF-style: chr3-48604164-G-A.
Other names: short protein forms R2745*.
Identifiers: ClinVar variation 850546 (VCV000850546.13), dbSNP rs768202310, ClinGen allele CA2378112.